The following is an entry in ClinVar:

NM_001165963.4(SCN1A):c.2495G>A (p.Trp832Ter)

Gene: SCN1A (sodium voltage-gated channel alpha subunit 1; minus strand). Cytogenetic location: 2q24.3.
Variant type: single nucleotide variant.
Coding change: c.2495G>A on transcript NM_001165963.4 (MANE Select); coding-DNA position 2495, G replaced by A.
Protein change: p.Trp832Ter; replaces tryptophan 832 with a stop codon.
Molecular consequence: nonsense. On other transcripts: non-coding transcript variant (1).
Genome position (GRCh38, 1-based): chr2:166,039,517, C>T on the plus strand (G>A on the coding strand, the complement: SCN1A is on the minus strand). VCF-style: chr2-166039517-C-T. GRCh37 (hg19) VCF-style: chr2-166896027-C-T.
Other names: c.2411G>A, p.Trp804Ter (NM_001165964.3, NM_001353957.2, NM_001353958.2); c.2495G>A, p.Trp832Ter (NM_001202435.3, NM_001353948.2); c.2462G>A, p.Trp821Ter (NM_001353949.2, NM_001353950.2, NM_001353951.2 and 2 more transcripts); c.2459G>A, p.Trp820Ter (NM_001353954.2, NM_001353955.2); c.2408G>A, p.Trp803Ter (NM_001353960.2); c.53G>A, p.Trp18Ter (NM_001353961.2); short protein forms W804*, W820*, W18*, W832*, W803*, W821*.
Identifiers: ClinVar variation 651494 (VCV000651494.9), dbSNP rs1574192998, ClinGen allele CA349062613.

ClinVar aggregate classification (germline): Pathogenic (1 of 4 stars; one submission).

Conditions:
Early-infantile DEE. Also called: Early infantile epileptic encephalopathy with suppression bursts; Early infantile epileptic encephalopathy; Ohtahara syndrome. Identifiers: Orphanet 1934, MedGen C0393706, MONDO:0800491.

Submission:

Labcorp Genetics (formerly Invitae), Labcorp
Classification: Pathogenic for Early-infantile DEE. Last evaluated: 2024-12-09. Review status: criteria provided, single submitter. Criteria: Invitae Variant Classification Sherloc (09022015). Collection method: clinical testing. Allele origin: germline.
Comment: This sequence change creates a premature translational stop signal (p.Trp832*) in the SCN1A gene. It is expected to result in an absent or disrupted protein product. Loss-of-function variants in SCN1A are known to be pathogenic (PMID: 17347258, 18930999). This variant is not present in population databases (gnomAD no frequency). This premature translational stop signal has been observed in individual(s) with Dravet syndrome (PMID: 18930999). ClinVar contains an entry for this variant (Variation ID: 651494). For these reasons, this variant has been classified as Pathogenic.

Literature cited by the submitters: PubMed 17347258; PubMed 18930999.